The following is an entry in ClinVar:

NM_213599.3(ANO5):c.385T>C (p.Tyr129His)

Gene: ANO5 (anoctamin 5; plus strand). Cytogenetic location: 11p14.3.
Variant type: single nucleotide variant.
Coding change: c.385T>C on transcript NM_213599.3 (MANE Select); coding-DNA position 385, T replaced by C.
Protein change: p.Tyr129His; replaces tyrosine 129 with histidine.
Molecular consequence: missense variant.
Genome position (GRCh38, 1-based): chr11:22,227,323, T>C. VCF-style: chr11-22227323-T-C. GRCh37 (hg19) VCF-style: chr11-22248869-T-C.
Other names: p.Tyr129His; c.382T>C, p.Tyr128His (NM_001142649.2); short protein forms Y129H, Y128H.
Identifiers: ClinVar variation 419891 (VCV000419891.14), dbSNP rs370952911, ClinGen allele CA5922919.

ClinVar aggregate classification (germline): Uncertain significance. Review status: criteria provided, multiple submitters, no conflicts (2 of 4 stars). 4 submissions from 4 submitters: Uncertain significance (4). Last evaluated 2025-02-19.

Conditions:
Gnathodiaphyseal dysplasia (GDD). Also called: GNATHODIAPHYSEAL SCLEROSIS; OSTEOGENESIS IMPERFECTA WITH UNUSUAL SKELETAL LESIONS. Identifiers: Orphanet 53697, MedGen C1833736, MONDO:0008151, OMIM 166260.
Autosomal recessive limb-girdle muscular dystrophy type 2L (LGMDR12). Also called: MUSCULAR DYSTROPHY, LIMB-GIRDLE, AUTOSOMAL RECESSIVE 12; Limb-girdle muscular dystrophy, type 2L; Limb-Girdle Muscular Dystrophy R12 Anoctamin-5-Related (LGMD-R12). Identifiers: Orphanet 206549, MedGen C1969785, MONDO:0012652, OMIM 611307.

Allele frequency attached by ClinVar (database versions not stated): ESP Exome Variant Server 0.00008; gnomAD exomes below 0.00001; ExAC 0.00001; TOPMed 0.00001.

Submissions (4):

Mayo Clinic Laboratories, Mayo Clinic
Classification: Uncertain significance. Last evaluated: 2025-02-19. Review status: criteria provided, single submitter. Criteria: ACMG Guidelines, 2015. Collection method: clinical testing. Allele origin: germline. Observed: 1 variant allele.
Comment: PM2_supporting

Labcorp Genetics (formerly Invitae), Labcorp
Classification: Uncertain significance for Autosomal recessive limb-girdle muscular dystrophy type 2L; Gnathodiaphyseal dysplasia. Last evaluated: 2024-05-20. Review status: criteria provided, single submitter. Criteria: Invitae Variant Classification Sherloc (09022015). Collection method: clinical testing. Allele origin: germline.
Comment: This sequence change replaces tyrosine, which is neutral and polar, with histidine, which is basic and polar, at codon 129 of the ANO5 protein (p.Tyr129His). This variant is present in population databases (rs370952911, gnomAD 0.0009%). This variant has not been reported in the literature in individuals affected with ANO5-related conditions. ClinVar contains an entry for this variant (Variation ID: 419891). Advanced modeling of protein sequence and biophysical properties (such as structural, functional, and spatial information, amino acid conservation, physicochemical variation, residue mobility, and thermodynamic stability) has been performed at Invitae for this missense variant, however the output from this modeling did not meet the statistical confidence thresholds required to predict the impact of this variant on ANO5 protein function. In summary, the available evidence is currently insufficient to determine the role of this variant in disease. Therefore, it has been classified as a Variant of Uncertain Significance.

Eurofins Ntd Llc (ga)
Classification: Uncertain significance. Last evaluated: 2017-05-04. Review status: criteria provided, single submitter. Criteria: EGL Classification Definitions 2015. Collection method: clinical testing. Allele origin: germline. Observed: 1 variant allele, 1 heterozygote.

GeneDx
Classification: Uncertain significance. Last evaluated: 2017-02-02. Review status: criteria provided, single submitter. Criteria: GeneDx Variant Classification (06012015). Collection method: clinical testing. Allele origin: germline. Affected: yes.
Comment: The Y129H variant in the ANO5 gene has not been reported previously as a pathogenic variant, nor as a benign variant, to our knowledge. The Y129H variant is not observed at a significant frequency in large population cohorts (Lek et al., 2016; 1000 Genomes Consortium et al., 2015; Exome Variant Server). The Y129H variant is a non-conservative amino acid substitution, which is likely to impact secondary protein structure as these residues differ in polarity, charge, size and/or other properties. This substitution occurs at a position that is conserved in mammals. In silico analysis predicts this variant is probably damaging to the protein structure/function. Missense variants in nearby residues (G126V, I133F, H134Y, H134R) have been reported in the Human Gene Mutation Database in association with ANO5-related disorders (Stenson et al., 2014), suggesting this region of the protein has functional importance. We interpret Y129H as a variant of uncertain significance.